The following is an entry in ClinVar:

NM_000059.4(BRCA2):c.8521T>A (p.Phe2841Ile)

Gene: BRCA2 (BRCA2 DNA repair associated; plus strand). Cytogenetic location: 13q13.1.
Variant type: single nucleotide variant.
Coding change: c.8521T>A on transcript NM_000059.4 (MANE Select); coding-DNA position 8521, T replaced by A.
Protein change: p.Phe2841Ile; replaces phenylalanine 2841 with isoleucine.
Molecular consequence: missense variant.
Genome position (GRCh38, 1-based): chr13:32,370,989, T>A. VCF-style: chr13-32370989-T-A. GRCh37 (hg19) VCF-style: chr13-32945126-T-A.
Other names: short protein forms F2841I.
Identifiers: ClinVar variation 1486897 (VCV001486897.6), dbSNP rs2137600017, ClinGen allele CA387752717.
Genomic context (GRCh38, chr13:32,370,989, plus strand): 5'-TTTGGTGTGTGTAACACATTATTACAGTGGATGGAGAAGACATCATCTGGATTATACATA[T>A]TTCGCAATGAAAGAGAGGAAGAAAAGGAAGCAGCAAAATATGTGGAGGCCCAACAAAAGA-3'
Protein context (NP_000050.3, residues 2831-2851): MEKTSSGLYI[Phe2841Ile]RNEREEEKEA

ClinVar aggregate classification (germline): Uncertain significance (1 of 4 stars; one submission).

Conditions:
Hereditary breast ovarian cancer syndrome. Also called: Hereditary breast and/or ovarian cancer syndrome; Hereditary breast and ovarian cancer syndrome (HBOC); Breast and ovarian cancer; Hereditary breast and ovarian cancer; Hereditary breast and ovarian cancer syndrome; BRCA1- and BRCA2-Associated Hereditary Breast and Ovarian Cancer. Identifiers: Orphanet 145, MedGen C0677776, MeSH D061325, MONDO:0003582. Disease mechanism: loss of function.

Submission:

Labcorp Genetics (formerly Invitae), Labcorp
Classification: Uncertain significance for Hereditary breast ovarian cancer syndrome. Last evaluated: 2021-09-15. Review status: criteria provided, single submitter. Criteria: Invitae Variant Classification Sherloc (09022015). Collection method: clinical testing. Allele origin: germline.
Comment: Advanced modeling of protein sequence and biophysical properties (such as structural, functional, and spatial information, amino acid conservation, physicochemical variation, residue mobility, and thermodynamic stability) performed at Invitae indicates that this missense variant is not expected to disrupt BRCA2 protein function. In summary, the available evidence is currently insufficient to determine the role of this variant in disease. Therefore, it has been classified as a Variant of Uncertain Significance. This variant has not been reported in the literature in individuals affected with BRCA2-related conditions. This variant is not present in population databases (ExAC no frequency). This sequence change replaces phenylalanine with isoleucine at codon 2841 of the BRCA2 protein (p.Phe2841Ile). The phenylalanine residue is highly conserved and there is a small physicochemical difference between phenylalanine and isoleucine.